The following is an entry in ClinVar:

ClinVar aggregate classification (germline): Likely benign. Review status: criteria provided, multiple submitters, no conflicts (2 of 4 stars). 2 submissions from 2 submitters: Likely benign (2). Last evaluated 2026-06-23.

Conditions:
Bardet-Biedl syndrome (BBS). Identifiers: Orphanet 110, MedGen C0752166, MONDO:0015229.
McKusick-Kaufman syndrome (MKKS). Also called: HYDROMETROCOLPOS SYNDROME; HYDROMETROCOLPOS, POSTAXIAL POLYDACTYLY, AND CONGENITAL HEART MALFORMATION. Identifiers: Orphanet 2473, MedGen C0948368, MONDO:0009367, OMIM 236700.
MKKS-related disorder. Also called: MKKS-related condition; MKKS-related disorders.

Submissions (2):

PreventionGenetics, part of Exact Sciences
Classification: Likely benign for MKKS-related condition. Last evaluated: 2026-06-23. Review status: criteria provided, single submitter. Criteria: ACMG Guidelines, 2015. Collection method: clinical testing. Allele origin: germline.
Comment: This variant is classified as likely benign based on ACMG/AMP sequence variant interpretation guidelines (Richards et al. 2015 PMID: 25741868, with internal and published modifications).

Labcorp Genetics (formerly Invitae), Labcorp
Classification: Likely benign for McKusick-Kaufman syndrome; Bardet-Biedl syndrome. Last evaluated: 2023-05-13. Review status: criteria provided, single submitter. Criteria: Invitae Variant Classification Sherloc (09022015). Collection method: clinical testing. Allele origin: germline.

NM_170784.3(MKKS):c.1095T>C (p.Pro365=)

Gene: MKKS (MKKS centrosomal shuttling protein; minus strand). Cytogenetic location: 20p12.2.
Variant type: single nucleotide variant.
Coding change: c.1095T>C on transcript NM_170784.3 (MANE Select); coding-DNA position 1095, T replaced by C.
Protein change: p.Pro365=; no amino-acid change (proline 365 retained).
Molecular consequence: synonymous variant. On other transcripts: non-coding transcript variant (1).
Genome position (GRCh38, 1-based): chr20:10,408,694, A>G on the plus strand (T>C on the coding strand, the complement: MKKS is on the minus strand). VCF-style: chr20-10408694-A-G. GRCh37 (hg19) VCF-style: chr20-10389342-A-G.
Other names: c.1095T>C, p.Pro365= (NM_018848.3).
Identifiers: ClinVar variation 2929177 (VCV002929177.4), dbSNP rs2514490486, ClinGen allele CA509661218.